The following is an entry in ClinVar:

ClinVar aggregate classification (germline): Likely benign. Review status: criteria provided, multiple submitters, no conflicts (2 of 4 stars). 3 submissions from 3 submitters: Likely benign (3). Last evaluated 2026-01-26.

Conditions:
Familial hypocalciuric hypercalcemia (FHH). Also called: Familial benign hypercalcemia. Identifiers: Orphanet 405, MedGen C1809471, MONDO:0018458.
Autosomal dominant hypocalcemia 1 (HYPOC1). Also called: HYPOCALCEMIA, FAMILIAL. Identifiers: MedGen C3715128, MONDO:0011013, OMIM 601198.
CASR-related disorder. Also called: CASR-related condition.
Nephrolithiasis/nephrocalcinosis. Identifiers: MedGen CN580796.

Allele frequency attached by ClinVar (database versions not stated): ExAC 0.00003; gnomAD exomes 0.00004; TOPMed 0.00004; gnomAD 0.00005; ESP Exome Variant Server 0.00008.
gnomAD v4.1: 78 of 1,614,058 alleles (0.0048%); highest among the groups gnomAD compares: Middle Eastern, 0.016%; no homozygotes.

Submissions (3):

Labcorp Genetics (formerly Invitae), Labcorp
Classification: Likely benign for Familial hypocalciuric hypercalcemia; Autosomal dominant hypocalcemia 1. Last evaluated: 2026-01-26. Review status: criteria provided, single submitter. Criteria: Invitae Variant Classification Sherloc (09022015). Collection method: clinical testing. Allele origin: germline.

PreventionGenetics, part of Exact Sciences
Classification: Likely benign for CASR-related condition. Last evaluated: 2025-01-31. Review status: criteria provided, single submitter. Criteria: ACMG Guidelines, 2015. Collection method: clinical testing. Allele origin: germline.
Comment: This variant is classified as likely benign based on ACMG/AMP sequence variant interpretation guidelines (Richards et al. 2015 PMID: 25741868, with internal and published modifications).

Ambry Genetics
Classification: Likely benign for Nephrolithiasis/nephrocalcinosis. Last evaluated: 2020-06-15. Review status: criteria provided, single submitter. Criteria: Ambry Variant Classification Scheme 2023. Collection method: clinical testing. Allele origin: germline.

NM_000388.4(CASR):c.1638C>T (p.Cys546=)

Gene: CASR (calcium sensing receptor; plus strand). Cytogenetic location: 3q21.1.
Variant type: single nucleotide variant.
Coding change: c.1638C>T on transcript NM_000388.4 (MANE Select); coding-DNA position 1638, C replaced by T.
Protein change: p.Cys546=; no amino-acid change (cysteine 546 retained).
Molecular consequence: synonymous variant.
Genome position (GRCh38, 1-based): chr3:122,282,142, C>T. VCF-style: chr3-122282142-C-T. GRCh37 (hg19) VCF-style: chr3-122000989-C-T.
Other names: c.1668C>T, p.Cys556= (NM_001178065.2); c.1668C>T (NM_001178065.1).
Identifiers: ClinVar variation 463909 (VCV000463909.15), dbSNP rs143047343, ClinGen allele CA2569718.